The following is an entry in ClinVar:

NM_004991.4(MECOM):c.2261T>C (p.Leu754Ser)

Gene: MECOM (MDS1 and EVI1 complex locus; minus strand). Cytogenetic location: 3q26.2.
Variant type: single nucleotide variant.
Coding change: c.2261T>C on transcript NM_004991.4 (MANE Select); coding-DNA position 2261, T replaced by C.
Protein change: p.Leu754Ser; replaces leucine 754 with serine.
Molecular consequence: missense variant.
Genome position (GRCh38, 1-based): chr3:169,115,611, A>G on the plus strand (T>C on the coding strand, the complement: MECOM is on the minus strand). VCF-style: chr3-169115611-A-G. GRCh37 (hg19) VCF-style: chr3-168833399-A-G.
Other names: c.1892T>C, p.Leu631Ser (NM_001105077.4); c.1697T>C, p.Leu566Ser (NM_001105078.4, NM_001164000.2, NM_001205194.2 and 4 more transcripts); c.1700T>C, p.Leu567Ser (NM_001163999.2, NM_001366467.2, NM_001366468.2 and 1 more transcripts); c.2261T>C, p.Leu754Ser (NM_001366466.2); c.1289T>C, p.Leu430Ser (NM_001366473.2); c.725T>C, p.Leu242Ser (NM_001366474.2); short protein forms L567S, L631S, L430S, L242S, L566S, L754S.
Identifiers: ClinVar variation 4624719 (VCV004624719.1).

ClinVar aggregate classification (germline): Uncertain significance (1 of 4 stars; one submission).

Conditions:
Inborn genetic diseases. Identifiers: MedGen C0950123, MeSH D030342.

Submission:

Ambry Genetics
Classification: Uncertain significance for Inborn genetic diseases. Last evaluated: 2025-11-26. Review status: criteria provided, single submitter. Criteria: Ambry Variant Classification Scheme 2023. Collection method: clinical testing. Allele origin: germline.
Comment: The p.L754S variant (also known as c.2261T>C), located in coding exon 8 of the MECOM gene, results from a T to C substitution at nucleotide position 2261. The leucine at codon 754 is replaced by serine, an amino acid with dissimilar properties. This amino acid position is conserved. In addition, this alteration is predicted to be tolerated by in silico analysis. Based on the available evidence, the clinical significance of this variant remains unclear.